The following is an entry in ClinVar:

ClinVar aggregate classification (germline): Uncertain significance (1 of 4 stars; one submission).

Conditions:
Inborn genetic diseases. Identifiers: MedGen C0950123, MeSH D030342.

Submission:

Ambry Genetics
Classification: Uncertain significance for Inborn genetic diseases. Last evaluated: 2026-02-21. Review status: criteria provided, single submitter. Criteria: Ambry Variant Classification Scheme 2023. Collection method: clinical testing. Allele origin: germline.
Comment: The p.N827K variant (also known as c.2481T>G), located in coding exon 12 of the BMPR2 gene, results from a T to G substitution at nucleotide position 2481. The asparagine at codon 827 is replaced by lysine, an amino acid with similar properties. This amino acid position is conserved. In addition, this alteration is predicted to be tolerated by in silico analysis. Based on the available evidence, the clinical significance of this variant remains unclear.

NM_001204.7(BMPR2):c.2481T>G (p.Asn827Lys)

Gene: BMPR2 (bone morphogenetic protein receptor type 2; plus strand). Cytogenetic location: 2q33.2.
Variant type: single nucleotide variant.
Coding change: c.2481T>G on transcript NM_001204.7 (MANE Select); coding-DNA position 2481, T replaced by G.
Protein change: p.Asn827Lys; replaces asparagine 827 with lysine.
Molecular consequence: missense variant.
Genome position (GRCh38, 1-based): chr2:202,556,146, T>G. VCF-style: chr2-202556146-T-G. GRCh37 (hg19) VCF-style: chr2-203420869-T-G.
Other names: short protein forms N827K.
Identifiers: ClinVar variation 4824933 (VCV004824933.1).
Genomic context (GRCh38, chr2:202,556,146, plus strand): 5'-TGGTGTGGCAGGTAGAAACCACAGTGTTAACTCCCATGCTGCCACAACCCAATATGCCAA[T>G]GGGACAGTACTATCTGGCCAAACAACCAACATAGTGACACATAGGGCCCAAGAAATGTTG-3'
Protein context (NP_001195.2, residues 817-837): NSHAATTQYA[Asn827Lys]GTVLSGQTTN